The following is an entry in ClinVar:

ClinVar aggregate classification (germline): Uncertain significance (1 of 4 stars; one submission).

Conditions:
Cardiovascular phenotype. Identifiers: MedGen CN230736.
Hereditary cancer-predisposing syndrome. Also called: Neoplastic Syndromes, Hereditary; Tumor predisposition; Hereditary neoplastic syndrome; Hereditary Cancer Syndrome. Identifiers: Orphanet 140162, MedGen C0027672, MeSH D009386, MONDO:0015356.

Submission:

Ambry Genetics
Classification: Uncertain significance for Cardiovascular phenotype; Hereditary cancer-predisposing syndrome. Last evaluated: 2026-07-28. Review status: criteria provided, single submitter. Criteria: Ambry Variant Classification Scheme 2023. Collection method: clinical testing. Allele origin: germline.
Comment: The p.L2714F variant (also known as c.8140C>T), located in coding exon 56 of the NF1 gene, results from a C to T substitution at nucleotide position 8140. The leucine at codon 2714 is replaced by phenylalanine, an amino acid with highly similar properties. This amino acid position is conserved. In addition, the in silico prediction for this alteration is inconclusive. Based on the available evidence, the clinical significance of this variant remains unclear.

NM_001042492.3(NF1):c.8203C>T (p.Leu2735Phe)

Gene: NF1 (neurofibromin 1; plus strand). Cytogenetic location: 17q11.2.
Variant type: single nucleotide variant.
Coding change: c.8203C>T on transcript NM_001042492.3 (MANE Select); coding-DNA position 8203, C replaced by T.
Protein change: p.Leu2735Phe; replaces leucine 2735 with phenylalanine.
Molecular consequence: missense variant.
Genome position (GRCh38, 1-based): chr17:31,360,529, C>T. VCF-style: chr17-31360529-C-T. GRCh37 (hg19) VCF-style: chr17-29687547-C-T.
Other names: c.8140C>T, p.Leu2714Phe (NM_000267.4); short protein forms L2735F, L2714F.
Identifiers: ClinVar variation 5025589 (VCV005025589.1).